The following is an entry in ClinVar:

ClinVar aggregate classification (germline): Uncertain significance (1 of 4 stars; one submission).

Submission:

Labcorp Genetics (formerly Invitae), Labcorp
Classification: Uncertain significance. Last evaluated: 2024-09-01. Review status: criteria provided, single submitter. Criteria: Invitae Variant Classification Sherloc (09022015). Collection method: clinical testing. Allele origin: germline.
Comment: This sequence change replaces glycine, which is neutral and non-polar, with arginine, which is basic and polar, at codon 634 of the COL11A2 protein (p.Gly634Arg). This variant is not present in population databases (gnomAD no frequency). This variant has not been reported in the literature in individuals affected with COL11A2-related conditions. Invitae Evidence Modeling of protein sequence and biophysical properties (such as structural, functional, and spatial information, amino acid conservation, physicochemical variation, residue mobility, and thermodynamic stability) indicates that this missense variant is expected to disrupt COL11A2 protein function with a positive predictive value of 95%. In summary, the available evidence is currently insufficient to determine the role of this variant in disease. Therefore, it has been classified as a Variant of Uncertain Significance.

NM_080680.3(COL11A2):c.1900G>C (p.Gly634Arg)

Gene: COL11A2 (collagen type XI alpha 2 chain; minus strand). Cytogenetic location: 6p21.32.
Variant type: single nucleotide variant.
Coding change: c.1900G>C on transcript NM_080680.3 (MANE Select); coding-DNA position 1900, G replaced by C.
Protein change: p.Gly634Arg; replaces glycine 634 with arginine.
Molecular consequence: missense variant.
Genome position (GRCh38, 1-based): chr6:33,177,679, C>G on the plus strand (G>C on the coding strand, the complement: COL11A2 is on the minus strand). VCF-style: chr6-33177679-C-G. GRCh37 (hg19) VCF-style: chr6-33145456-C-G.
Other names: c.1720G>C, p.Gly574Arg (NM_001424108.1); c.1054G>C, p.Gly352Arg (NM_001424109.1); c.874G>C, p.Gly292Arg (NM_001424110.1, NM_001424111.1); c.1579G>C, p.Gly527Arg (NM_080679.3); c.1642G>C, p.Gly548Arg (NM_080681.3); short protein forms G527R, G634R, G292R, G352R, G548R, G574R.
Identifiers: ClinVar variation 3709097 (VCV003709097.2).